The following is an entry in ClinVar:

ClinVar aggregate classification (germline): Uncertain significance. Review status: criteria provided, multiple submitters, no conflicts (2 of 4 stars). 3 submissions from 3 submitters: Uncertain significance (2). 1 of the submissions does not count toward it. Last evaluated 2026-04-22.

Conditions:
Neu-Laxova syndrome 2. Identifiers: Orphanet 2671, Orphanet 583602, MedGen C4015019, MONDO:0014466, OMIM 616038.

Allele frequency attached by ClinVar (database versions not stated): gnomAD 0.00004; gnomAD exomes 0.00004; TOPMed 0.00004; ExAC 0.00007; ESP Exome Variant Server 0.00008.
gnomAD v4.1: 58 of 1,613,550 alleles (0.0036%); highest among the groups gnomAD compares: Admixed American, 0.015%; no homozygotes.

Submissions (3):

Women's Health and Genetics/Laboratory Corporation of America, LabCorp
Classification: Uncertain significance. Last evaluated: 2026-04-22. Review status: criteria provided, single submitter. Criteria: LabCorp Variant Classification Summary - May 2015. Collection method: clinical testing. Allele origin: germline.
Comment: Variant summary: PSAT1 c.794C>T (p.Ala265Val) results in a non-conservative amino acid change in the encoded protein sequence. Algorithms developed to predict the effect of missense changes on protein structure and function are either unavailable or do not agree on the potential impact of this missense change. The variant allele was found at a frequency of 4.4e-05 in 251160 control chromosomes. This frequency is not significantly higher than estimated for disease-causing variants in PSAT1, allowing no conclusion about variant significance. To our knowledge, no occurrence of c.794C>T in individuals affected with PSAT1-related conditions and no experimental evidence demonstrating its impact on protein function have been reported. ClinVar contains an entry for this variant (Variation ID: 971847). Based on the evidence outlined above, the variant was classified as uncertain significance.

Labcorp Genetics (formerly Invitae), Labcorp
Classification: Uncertain significance for Neu-Laxova syndrome 2. Last evaluated: 2023-08-30. Review status: criteria provided, single submitter. Criteria: Invitae Variant Classification Sherloc (09022015). Collection method: clinical testing. Allele origin: germline.
Comment: In summary, the available evidence is currently insufficient to determine the role of this variant in disease. Therefore, it has been classified as a Variant of Uncertain Significance. Advanced modeling of protein sequence and biophysical properties (such as structural, functional, and spatial information, amino acid conservation, physicochemical variation, residue mobility, and thermodynamic stability) performed at Invitae indicates that this missense variant is not expected to disrupt PSAT1 protein function. ClinVar contains an entry for this variant (Variation ID: 971847). This variant has not been reported in the literature in individuals affected with PSAT1-related conditions. This variant is present in population databases (rs376602543, gnomAD 0.03%). This sequence change replaces alanine, which is neutral and non-polar, with valine, which is neutral and non-polar, at codon 265 of the PSAT1 protein (p.Ala265Val).

Dudley Research Group, Pacific Northwest Research Institute
No classification provided. Review status: no classification provided. Collection method: research, in vivo. Allele origin: unknown, not applicable. Functional consequence: functionally_normal. Not counted in ClinVar's aggregate classification.

NM_058179.4(PSAT1):c.794C>T (p.Ala265Val)

Gene: PSAT1 (phosphoserine aminotransferase 1; plus strand). Cytogenetic location: 9q21.2.
Variant type: single nucleotide variant.
Coding change: c.794C>T on transcript NM_058179.4 (MANE Select); coding-DNA position 794, C replaced by T.
Protein change: p.Ala265Val; replaces alanine 265 with valine.
Molecular consequence: missense variant.
Genome position (GRCh38, 1-based): chr9:78,317,729, C>T. VCF-style: chr9-78317729-C-T. GRCh37 (hg19) VCF-style: chr9-80932645-C-T.
Other names: c.794C>T, p.Ala265Val (NM_021154.5); short protein forms A265V.
Identifiers: ClinVar variation 971847 (VCV000971847.9), dbSNP rs376602543, ClinGen allele CA5095728.